The following is an entry in ClinVar:

NM_003200.5(TCF3):c.1435C>T (p.Pro479Ser)

Gene: TCF3 (transcription factor 3; minus strand). Cytogenetic location: 19p13.3.
Variant type: single nucleotide variant.
Coding change: c.1435C>T on transcript NM_003200.5 (MANE Select); coding-DNA position 1435, C replaced by T.
Protein change: p.Pro479Ser; replaces proline 479 with serine.
Molecular consequence: missense variant.
Genome position (GRCh38, 1-based): chr19:1,619,126, G>A on the plus strand (C>T on the coding strand, the complement: TCF3 is on the minus strand). VCF-style: chr19-1619126-G-A. GRCh37 (hg19) VCF-style: chr19-1619125-G-A.
Other names: c.1435C>T (NM_003200.3); c.1435C>T, p.Pro479Ser (NM_001136139.4, NM_001351779.2); c.1432C>T, p.Pro478Ser (NM_001351778.2); short protein forms P478S, P479S.
Identifiers: ClinVar variation 1349025 (VCV001349025.8), dbSNP rs375278992, ClinGen allele CA9049855.
Genomic context (GRCh38, chr19:1,619,126, plus strand): 5'-CCAACTGGAACCAGGAGTCGGACAGTCCCAAGCTCAAGGGCTTACCACTGTAGGAGTCGG[G>A]AGGCCGAGACAGGTCAGGGAGGGTGCCTGGCTGGCTGGGGAGGGCCGCGTGGTTGTGCAT-3'
Protein context (NP_003191.1, residues 469-489): PGTLPDLSRP[Pro479Ser]DSYSGLGRAG

ClinVar aggregate classification (germline): Uncertain significance. Review status: criteria provided, multiple submitters, no conflicts (2 of 4 stars). 3 submissions from 3 submitters: Uncertain significance (3). Last evaluated 2025-12-13.

Conditions:
Inborn genetic diseases. Identifiers: MedGen C0950123, MeSH D030342.

Allele frequency attached by ClinVar (database versions not stated): TOPMed 0.00001; ExAC 0.00002; gnomAD 0.00003; gnomAD exomes 0.00003; ESP Exome Variant Server 0.00008.
gnomAD v4.1: 40 of 1,599,572 alleles (0.0025%); highest among the groups gnomAD compares: Non-Finnish European, 0.0033%; no homozygotes.

Submissions (3):

Labcorp Genetics (formerly Invitae), Labcorp
Classification: Uncertain significance. Last evaluated: 2025-12-13. Review status: criteria provided, single submitter. Criteria: Invitae Variant Classification Sherloc (09022015). Collection method: clinical testing. Allele origin: germline.
Comment: This sequence change replaces proline, which is neutral and non-polar, with serine, which is neutral and polar, at codon 479 of the TCF3 protein (p.Pro479Ser). This variant is present in population databases (rs375278992, gnomAD 0.007%). This variant has not been reported in the literature in individuals affected with TCF3-related conditions. ClinVar contains an entry for this variant (Variation ID: 1349025). Invitae Evidence Modeling of protein sequence and biophysical properties (such as structural, functional, and spatial information, amino acid conservation, physicochemical variation, residue mobility, and thermodynamic stability) indicates that this missense variant is not expected to disrupt TCF3 protein function with a negative predictive value of 80%. In summary, the available evidence is currently insufficient to determine the role of this variant in disease. Therefore, it has been classified as a Variant of Uncertain Significance.

Blueprint Genetics
Classification: Uncertain significance. Last evaluated: 2023-11-22. Review status: criteria provided, single submitter. Criteria: ACMG Guidelines, 2015. Collection method: clinical testing. Allele origin: germline.

Ambry Genetics
Classification: Uncertain significance for Inborn genetic diseases. Last evaluated: 2023-08-10. Review status: criteria provided, single submitter. Criteria: Ambry Variant Classification Scheme 2023. Collection method: clinical testing. Allele origin: germline.